The following is an entry in ClinVar:

ClinVar aggregate classification (germline): Conflicting classifications of pathogenicity. Review status: criteria provided, conflicting classifications (1 of 4 stars). 3 submissions from 3 submitters: Uncertain significance (2); Likely benign (1). Last evaluated 2025-07-09.

Conditions:
Paget disease of bone 2, early-onset (PDB2). Also called: Paget disease of bone 2. Identifiers: MedGen C4085251, MONDO:0011183, OMIM 602080.
Familial expansile osteolysis (FEO). Also called: MCCABE DISEASE; POLYOSTOTIC OSTEOLYTIC DYSPLASIA, HEREDITARY EXPANSILE. Identifiers: Orphanet 85195, MedGen C0432292, MONDO:0008275, OMIM 174810.
Autosomal recessive osteopetrosis 7. Identifiers: Orphanet 178389, MedGen C2676766, MONDO:0012859, OMIM 612301.
Inborn genetic diseases. Identifiers: MedGen C0950123, MeSH D030342.

Allele frequency attached by ClinVar (database versions not stated): ExAC 0.00002; TOPMed 0.00003.

Submissions (3):

Labcorp Genetics (formerly Invitae), Labcorp
Classification: Uncertain significance. Last evaluated: 2025-07-09. Review status: criteria provided, single submitter. Criteria: Invitae Variant Classification Sherloc (09022015). Collection method: clinical testing. Allele origin: germline.
Comment: This sequence change replaces glycine, which is neutral and non-polar, with serine, which is neutral and polar, at codon 213 of the TNFRSF11A protein (p.Gly213Ser). This variant is present in population databases (rs766330561, gnomAD 0.008%). This variant has not been reported in the literature in individuals affected with TNFRSF11A-related conditions. ClinVar contains an entry for this variant (Variation ID: 1442005). Invitae Evidence Modeling of protein sequence and biophysical properties (such as structural, functional, and spatial information, amino acid conservation, physicochemical variation, residue mobility, and thermodynamic stability) indicates that this missense variant is not expected to disrupt TNFRSF11A protein function with a negative predictive value of 80%. In summary, the available evidence is currently insufficient to determine the role of this variant in disease. Therefore, it has been classified as a Variant of Uncertain Significance.

Ambry Genetics
Classification: Likely benign for Inborn genetic diseases. Last evaluated: 2022-01-07. Review status: criteria provided, single submitter. Criteria: Ambry Variant Classification Scheme 2023. Collection method: clinical testing. Allele origin: germline.

Fulgent Genetics
Classification: Uncertain significance for Familial expansile osteolysis; Paget disease of bone 2, early-onset; Autosomal recessive osteopetrosis 7. Last evaluated: 2021-08-25. Review status: criteria provided, single submitter. Criteria: ACMG Guidelines, 2015. Collection method: clinical testing. Allele origin: unknown.

NM_003839.4(TNFRSF11A):c.637G>A (p.Gly213Ser)

Gene: TNFRSF11A (TNF receptor superfamily member 11a; plus strand). Cytogenetic location: 18q21.33.
Variant type: single nucleotide variant.
Coding change: c.637G>A on transcript NM_003839.4 (MANE Select); coding-DNA position 637, G replaced by A.
Protein change: p.Gly213Ser; replaces glycine 213 with serine.
Molecular consequence: missense variant. On other transcripts: intron variant (1).
Genome position (GRCh38, 1-based): chr18:62,361,700, G>A. VCF-style: chr18-62361700-G-A. GRCh37 (hg19) VCF-style: chr18-60028933-G-A.
Other names: c.637G>A, p.Gly213Ser (NM_001270949.2, NM_001270950.2); c.595G>A, p.Gly199Ser (NM_001278268.2); c.616+1651G>A (NM_001270951.2); c.637G>A (NM_003839.2); short protein forms G199S, G213S.
Identifiers: ClinVar variation 1442005 (VCV001442005.10), dbSNP rs766330561, ClinGen allele CA8983822.
Genomic context (GRCh38, chr18:62,361,700, plus strand): 5'-GAATCTTTACTACCATATTTCTCATTTTCTTCCAATACAGAACCCCATGTTTACTTGCCC[G>A]GTTTAATAATTCTGCTTCTCTTCGCGTCTGTGGCCCTGGTGGCTGCCATCATCTTTGGCG-3'
Protein context (NP_003830.1, residues 203-223): PPNEPHVYLP[Gly213Ser]LIILLLFASV